The following is an entry in ClinVar:

ClinVar aggregate classification (germline): Benign/Likely benign. Review status: criteria provided, multiple submitters, no conflicts (2 of 4 stars). 6 submissions from 6 submitters: Benign (1); Likely benign (2). 3 of the submissions do not count toward it. Last evaluated 2026-09-01.

Conditions:
ATN1-related disorder. Also called: ATN1-related disorders; ATN1-related condition.

Allele frequency attached by ClinVar (database versions not stated): 1000 Genomes Project 0.00120; TOPMed 0.00137; 1000 Genomes Project 30x 0.00141; gnomAD 0.00147 and 0.00152; ESP Exome Variant Server 0.00154; gnomAD exomes 0.00173; ExAC 0.00184.
gnomAD v4.1: 3,161 of 1,613,950 alleles (0.2%); highest among the groups gnomAD compares: South Asian, 0.23%; 12 homozygotes.

Submissions (6):

CeGaT Center for Human Genetics Tuebingen
Classification: Likely benign. Last evaluated: 2026-09-01. Review status: criteria provided, single submitter. Criteria: CeGaT Center For Human Genetics Tuebingen Variant Classification Criteria Version 2. Collection method: clinical testing. Allele origin: germline. Affected: yes. Observed: 8 variant alleles.
Comment: ATN1: BS1

Mayo Clinic Laboratories, Mayo Clinic
Classification: Benign. Last evaluated: 2025-07-10. Review status: criteria provided, single submitter. Criteria: ACMG Guidelines, 2015. Collection method: clinical testing. Allele origin: germline. Observed: 2 variant alleles.
Comment: BS1, BS2, BP4_moderate

Blueprint Genetics
Classification: Likely benign. Last evaluated: 2024-11-25. Review status: criteria provided, single submitter. Criteria: ACMG Guidelines, 2015. Collection method: clinical testing. Allele origin: germline.

PreventionGenetics, part of Exact Sciences
Classification: Likely benign for ATN1-related condition. Last evaluated: 2019-07-08. Review status: no assertion criteria provided. Collection method: clinical testing. Allele origin: germline. Not counted in ClinVar's aggregate classification.
Comment: This variant is classified as likely benign based on ACMG/AMP sequence variant interpretation guidelines (Richards et al. 2015 PMID: 25741868, with internal and published modifications).

Clinical Genetics DNA and cytogenetics Diagnostics Lab, Erasmus MC, Erasmus Medical Center
Classification: Likely benign. Review status: no assertion criteria provided. Collection method: clinical testing. Allele origin: germline. Affected: yes. Study: VKGL Data-share Consensus. Not counted in ClinVar's aggregate classification.

Diagnostic Laboratory, Department of Genetics, University Medical Center Groningen
Classification: Likely benign. Review status: no assertion criteria provided. Collection method: clinical testing. Allele origin: germline. Affected: yes. Study: VKGL Data-share Consensus. Not counted in ClinVar's aggregate classification.

NM_001940.4(ATN1):c.2785G>A (p.Ala929Thr)

Gene: ATN1 (atrophin 1; plus strand). Cytogenetic location: 12p13.31.
Variant type: single nucleotide variant.
Coding change: c.2785G>A on transcript NM_001940.4 (MANE Select); coding-DNA position 2785, G replaced by A.
Protein change: p.Ala929Thr; replaces alanine 929 with threonine.
Molecular consequence: missense variant.
Genome position (GRCh38, 1-based): chr12:6,938,748, G>A. VCF-style: chr12-6938748-G-A. GRCh37 (hg19) VCF-style: chr12-7047911-G-A.
Other names: p.Ala929Thr; c.2785G>A, p.Ala929Thr (NM_001007026.2); c.2785G>A (NM_001007026.1); short protein forms A929T.
Identifiers: ClinVar variation 1299899 (VCV001299899.26), dbSNP rs143844103, ClinGen allele CA6420890.